The following is an entry in ClinVar:

ClinVar aggregate classification (germline): Uncertain significance (1 of 4 stars; one submission).

gnomAD v4.1: 8 of 1,550,946 alleles (0.00052%); highest among the groups gnomAD compares: Non-Finnish European, 0.0007%; no homozygotes.

Submission:

GeneDx
Classification: Uncertain significance. Last evaluated: 2025-06-10. Review status: criteria provided, single submitter. Criteria: GeneDx Variant Classification Process June 2021. Collection method: clinical testing. Allele origin: germline. Affected: yes.
Comment: Not observed at significant frequency in large population cohorts (gnomAD); In silico analysis supports that this missense variant has a deleterious effect on protein structure/function; Has not been previously published as pathogenic or benign to our knowledge

NM_001145809.2(MYH14):c.5722C>T (p.Arg1908Trp)

Gene: MYH14 (myosin heavy chain 14; plus strand). Cytogenetic location: 19q13.33.
Variant type: single nucleotide variant.
Coding change: c.5722C>T on transcript NM_001145809.2 (MANE Select); coding-DNA position 5722, C replaced by T.
Protein change: p.Arg1908Trp; replaces arginine 1908 with tryptophan.
Molecular consequence: missense variant.
Genome position (GRCh38, 1-based): chr19:50,307,092, C>T. VCF-style: chr19-50307092-C-T. GRCh37 (hg19) VCF-style: chr19-50810349-C-T.
Other names: c.5623C>T, p.Arg1875Trp (NM_001077186.2); c.5599C>T, p.Arg1867Trp (NM_024729.4); short protein forms R1867W, R1875W, R1908W.
Identifiers: ClinVar variation 4538032 (VCV004538032.1).